The following is an entry in ClinVar:

NM_001303256.3(MORC2):c.160A>G (p.Arg54Gly)

Gene: MORC2 (MORC family CW-type zinc finger 2; minus strand). Cytogenetic location: 22q12.2.
Variant type: single nucleotide variant.
Coding change: c.160A>G on transcript NM_001303256.3 (MANE Select); coding-DNA position 160, A replaced by G.
Protein change: p.Arg54Gly; replaces arginine 54 with glycine.
Molecular consequence: missense variant. On other transcripts: 5 prime UTR variant (1).
Genome position (GRCh38, 1-based): chr22:30,950,443, T>C on the plus strand (A>G on the coding strand, the complement: MORC2 is on the minus strand). VCF-style: chr22-30950443-T-C. GRCh37 (hg19) VCF-style: chr22-31346429-T-C.
Other names: c.160A>G, p.Arg54Gly (NM_001303257.2); c.-27A>G (NM_014941.3); short protein forms R54G.
Identifiers: ClinVar variation 2963236 (VCV002963236.3), dbSNP rs2517625142, ClinGen allele CA411246331.

ClinVar aggregate classification (germline): Uncertain significance (1 of 4 stars; one submission).

Conditions:
Charcot-Marie-Tooth disease axonal type 2Z. Also called: CHARCOT-MARIE-TOOTH DISEASE, AXONAL, AUTOSOMAL DOMINANT, TYPE 2Z; CHARCOT-MARIE-TOOTH NEUROPATHY, TYPE 2Z. Identifiers: Orphanet 466768, MedGen C5569025, MONDO:0014736, OMIM 616688.

Submission:

Labcorp Genetics (formerly Invitae), Labcorp
Classification: Uncertain significance for Charcot-Marie-Tooth disease axonal type 2Z. Last evaluated: 2023-02-26. Review status: criteria provided, single submitter. Criteria: Invitae Variant Classification Sherloc (09022015). Collection method: clinical testing. Allele origin: germline.
Comment: In summary, the available evidence is currently insufficient to determine the role of this variant in disease. Therefore, it has been classified as a Variant of Uncertain Significance. An algorithm developed to predict the effect of missense changes on protein structure and function (PolyPhen-2) suggests that this variant is likely to be tolerated. This variant has not been reported in the literature in individuals affected with MORC2-related conditions. This variant is not present in population databases (gnomAD no frequency). This sequence change replaces arginine, which is basic and polar, with glycine, which is neutral and non-polar, at codon 54 of the MORC2 protein (p.Arg54Gly). Algorithms developed to predict the effect of sequence changes on RNA splicing suggest that this variant may disrupt the consensus splice site.